The following is an entry in ClinVar:

NM_001375524.1(TRRAP):c.7635G>C (p.Met2545Ile)

Gene: TRRAP (transformation/transcription domain associated protein; plus strand). Cytogenetic location: 7q22.1.
Variant type: single nucleotide variant.
Coding change: c.7635G>C on transcript NM_001375524.1 (MANE Select); coding-DNA position 7635, G replaced by C.
Protein change: p.Met2545Ile; replaces methionine 2545 with isoleucine.
Molecular consequence: missense variant.
Genome position (GRCh38, 1-based): chr7:98,970,234, G>C. VCF-style: chr7-98970234-G-C. GRCh37 (hg19) VCF-style: chr7-98567857-G-C.
Other names: c.7614G>C, p.Met2538Ile (NM_001244580.2); c.7560G>C, p.Met2520Ile (NM_003496.4); short protein forms M2520I, M2538I, M2545I.
Identifiers: ClinVar variation 1805276 (VCV001805276.3), dbSNP rs1047126452, ClinGen allele CA163067491.

ClinVar aggregate classification (germline): Uncertain significance. Review status: criteria provided, multiple submitters, no conflicts (2 of 4 stars). 3 submissions from 3 submitters: Uncertain significance (3). Last evaluated 2025-08-20.

Conditions:
Inborn genetic diseases. Identifiers: MedGen C0950123, MeSH D030342.
Developmental delay with or without dysmorphic facies and autism. Identifiers: MedGen C5193106, MONDO:0032760, OMIM 618454.

Allele frequency attached by ClinVar (database versions not stated): gnomAD 0.00001; gnomAD exomes 0.00001; TOPMed 0.00001.
gnomAD v4.1: 14 of 1,613,578 alleles (0.00087%); highest among the groups gnomAD compares: Middle Eastern, 0.016%; no homozygotes.

Submissions (3):

Labcorp Genetics (formerly Invitae), Labcorp
Classification: Uncertain significance. Last evaluated: 2025-08-20. Review status: criteria provided, single submitter. Criteria: Invitae Variant Classification Sherloc (09022015). Collection method: clinical testing. Allele origin: germline.
Comment: This sequence change replaces methionine, which is neutral and non-polar, with isoleucine, which is neutral and non-polar, at codon 2520 of the TRRAP protein (p.Met2520Ile). This variant is not present in population databases (gnomAD no frequency). This variant has not been reported in the literature in individuals affected with TRRAP-related conditions. ClinVar contains an entry for this variant (Variation ID: 1805276). An algorithm developed to predict the effect of missense changes on protein structure and function (PolyPhen-2) suggests that this variant is likely to be tolerated. In summary, the available evidence is currently insufficient to determine the role of this variant in disease. Therefore, it has been classified as a Variant of Uncertain Significance.

Ambry Genetics
Classification: Uncertain significance for Inborn genetic diseases. Last evaluated: 2024-07-02. Review status: criteria provided, single submitter. Criteria: Ambry Variant Classification Scheme 2023. Collection method: clinical testing. Allele origin: germline.

Victorian Clinical Genetics Services, Murdoch Childrens Research Institute
Classification: Uncertain significance for Developmental delay with or without dysmorphic facies and autism. Last evaluated: 2022-02-02. Review status: criteria provided, single submitter. Criteria: ACMG Guidelines, 2015. Collection method: clinical testing. Allele origin: germline. Inheritance: Autosomal dominant inheritance. Affected: yes.
Comment: Based on the classification scheme VCGS_Germline_v1.3.4, this variant is classified as VUS-3B. Following criteria are met: 0105 - The mechanism of disease for this gene is not clearly established. (I) 0107 - This gene is associated with autosomal dominant disease. (I) 0200 - Variant is predicted to result in a missense amino acid change from methionine to isoleucine. (I) 0251 - This variant is heterozygous. (I) 0302 - Variant is present in gnomAD (v3) <0.001 for a dominant condition (1 heterozygote, 0 homozygotes). (SP) 0503 - Missense variant consistently predicted to be tolerated by multiple in silico tools or not conserved in placental mammals with a minor amino acid change. (SB) 0604 - Variant is not located in an established domain, motif, hotspot or informative constraint region. (I) 0705 - No comparable missense variants have previous evidence for pathogenicity. (I) 0807 - This variant has no previous evidence of pathogenicity. (I) 0905 - No published segregation evidence has been identified for this variant. (I) 1007 - No published functional evidence has been identified for this variant. (I) 1208 - Inheritance information for this variant is not currently available in this individual. (I) Legend: (SP) - Supporting pathogenic, (I) - Information, (SB) - Supporting benign